The following is an entry in ClinVar:

NM_000551.4(VHL):c.336C>G (p.Tyr112Ter)

Gene: VHL (von Hippel-Lindau tumor suppressor; plus strand). Cytogenetic location: 3p25.3.
Variant type: single nucleotide variant.
Coding change: c.336C>G on transcript NM_000551.4 (MANE Select); coding-DNA position 336, C replaced by G.
Protein change: p.Tyr112Ter; replaces tyrosine 112 with a stop codon.
Molecular consequence: nonsense.
Genome position (GRCh38, 1-based): chr3:10,142,183, C>G. VCF-style: chr3-10142183-C-G. GRCh37 (hg19) VCF-style: chr3-10183867-C-G.
Other names: c.336C>G, p.Tyr112Ter (NM_001354723.2, NM_198156.3); short protein forms Y112*.
Identifiers: ClinVar variation 633015 (VCV000633015.19), dbSNP rs751232153, ClinGen allele CA351751359.

ClinVar aggregate classification (germline): Pathogenic. Review status: criteria provided, multiple submitters, no conflicts (2 of 4 stars). 4 submissions from 4 submitters: Pathogenic (4). Last evaluated 2025-08-01.

Conditions:
Von Hippel-Lindau syndrome (VHLS). Also called: VHL syndrome; von Hippel–Lindau syndrome; Von Hippel-Lindau. Identifiers: Orphanet 892, MedGen C0019562, MONDO:0008667, OMIM 193300. Disease mechanism: loss of function.
Chuvash polycythemia. Also called: POLYCYTHEMIA, VHL-DEPENDENT. Identifiers: Orphanet 238557, MedGen C1837915, MONDO:0009892, OMIM 263400.
Hereditary cancer-predisposing syndrome. Also called: Neoplastic Syndromes, Hereditary; Hereditary Cancer Syndrome; Tumor predisposition; Hereditary neoplastic syndrome. Identifiers: Orphanet 140162, MedGen C0027672, MeSH D009386, MONDO:0015356.

Submissions (4):

CeGaT Center for Human Genetics Tuebingen
Classification: Pathogenic. Last evaluated: 2025-08-01. Review status: criteria provided, single submitter. Criteria: CeGaT Center For Human Genetics Tuebingen Variant Classification Criteria Version 2. Collection method: clinical testing. Allele origin: germline. Affected: yes. Observed: 1 variant allele.
Comment: VHL: PVS1, PM2

Women's Health and Genetics/Laboratory Corporation of America, LabCorp
Classification: Pathogenic for Von Hippel-Lindau syndrome. Last evaluated: 2024-12-24. Review status: criteria provided, single submitter. Criteria: LabCorp Variant Classification Summary - May 2015. Collection method: clinical testing. Allele origin: germline.
Comment: Variant summary: VHL c.336C>G (p.Tyr112X) results in a premature termination codon, predicted to cause absence of the protein due to nonsense mediated decay, which is a commonly known mechanism for disease. The variant was absent in 219914 control chromosomes (gnomAD). A different variant (c.336C>A) resulting in the same nonsense change has been reported in the literature in individuals affected with Von Hippel-Lindau Syndrome (Chen_1995). These data indicate that the variant may be associated with disease. The following publication has been ascertained in the context of this evaluation (PMID: 7728151). ClinVar contains an entry for this variant (Variation ID: 633015). Based on the evidence outlined above, the variant was classified as pathogenic.

Ambry Genetics
Classification: Pathogenic for Hereditary cancer-predisposing syndrome. Last evaluated: 2023-05-04. Review status: criteria provided, single submitter. Criteria: Ambry Variant Classification Scheme 2023. Collection method: clinical testing. Allele origin: germline.
Comment: The p.Y112* pathogenic mutation (also known as c.336C>G), located in coding exon 1 of the VHL gene, results from a C to G substitution at nucleotide position 336. This changes the amino acid from a tyrosine to a stop codon within coding exon 1. This alteration has been observed in at least one individual with a personal and/or family history that is consistent with VHL-related disease (Ambry internal data). This variant is considered to be rare based on population cohorts in the Genome Aggregation Database (gnomAD). This alteration is expected to result in loss of function by premature protein truncation or nonsense-mediated mRNA decay. As such, this alteration is interpreted as a disease-causing mutation.

Labcorp Genetics (formerly Invitae), Labcorp
Classification: Pathogenic for Von Hippel-Lindau syndrome; Chuvash polycythemia. Last evaluated: 2019-03-04. Review status: criteria provided, single submitter. Criteria: Invitae Variant Classification Sherloc (09022015). Collection method: clinical testing. Allele origin: germline.
Comment: Loss-of-function variants in VHL are known to be pathogenic (PMID: 8956040, 12202531). This variant has not been reported in the literature in individuals with VHL-related conditions. This variant is not present in population databases (ExAC no frequency). This sequence change creates a premature translational stop signal (p.Tyr112*) in the VHL gene. It is expected to result in an absent or disrupted protein product. For these reasons, this variant has been classified as Pathogenic.

Literature cited by the submitters: PubMed 7728151 (cited by Women's Health and Genetics/Laboratory Corporation of America, LabCorp); PubMed 8956040 (cited by Labcorp Genetics (formerly Invitae), Labcorp); PubMed 12202531 (cited by Labcorp Genetics (formerly Invitae), Labcorp).